The following is an entry in ClinVar:

ClinVar aggregate classification (germline): Uncertain significance. Review status: criteria provided, multiple submitters, no conflicts (2 of 4 stars). 2 submissions from 2 submitters: Uncertain significance (2). Last evaluated 2023-09-28.

Conditions:
Hereditary cancer-predisposing syndrome. Also called: Hereditary Cancer Syndrome; Hereditary neoplastic syndrome; Tumor predisposition; Neoplastic Syndromes, Hereditary. Identifiers: Orphanet 140162, MedGen C0027672, MeSH D009386, MONDO:0015356.
Hereditary nonpolyposis colorectal neoplasms. Identifiers: MedGen C0009405, MeSH D003123.

Submissions (2):

Ambry Genetics
Classification: Uncertain significance for Hereditary cancer-predisposing syndrome. Last evaluated: 2023-09-28. Review status: criteria provided, single submitter. Criteria: Ambry Variant Classification Scheme 2023. Collection method: clinical testing. Allele origin: germline.
Comment: The p.I831F variant (also known as c.2491A>T), located in coding exon 15 of the PMS2 gene, results from an A to T substitution at nucleotide position 2491. The isoleucine at codon 831 is replaced by phenylalanine, an amino acid with highly similar properties. This amino acid position is not well conserved in available vertebrate species. In addition, the in silico prediction for this alteration is inconclusive. Since supporting evidence is limited at this time, the clinical significance of this alteration remains unclear.

Labcorp Genetics (formerly Invitae), Labcorp
Classification: Uncertain significance for Hereditary nonpolyposis colorectal neoplasms. Last evaluated: 2023-08-11. Review status: criteria provided, single submitter. Criteria: Invitae Variant Classification Sherloc (09022015). Collection method: clinical testing. Allele origin: germline.
Comment: ClinVar contains an entry for this variant (Variation ID: 1792076). Advanced modeling of protein sequence and biophysical properties (such as structural, functional, and spatial information, amino acid conservation, physicochemical variation, residue mobility, and thermodynamic stability) performed at Invitae indicates that this missense variant is expected to disrupt PMS2 protein function. In summary, the available evidence is currently insufficient to determine the role of this variant in disease. Therefore, it has been classified as a Variant of Uncertain Significance. This sequence change replaces isoleucine, which is neutral and non-polar, with phenylalanine, which is neutral and non-polar, at codon 831 of the PMS2 protein (p.Ile831Phe). The frequency data for this variant in the population databases (gnomAD) is considered unreliable due to the presence of homologous sequence, such as pseudogenes or paralogs, in the genome. This variant has not been reported in the literature in individuals affected with PMS2-related conditions.

NM_000535.7(PMS2):c.2491A>T (p.Ile831Phe)

Gene: PMS2 (PMS1 homolog 2, mismatch repair system component; minus strand). Cytogenetic location: 7p22.1.
Variant type: single nucleotide variant.
Coding change: c.2491A>T on transcript NM_000535.7 (MANE Select); coding-DNA position 2491, A replaced by T.
Protein change: p.Ile831Phe; replaces isoleucine 831 with phenylalanine.
Molecular consequence: missense variant. On other transcripts: non-coding transcript variant (1).
Genome position (GRCh38, 1-based): chr7:5,973,497, T>A on the plus strand (A>T on the coding strand, the complement: PMS2 is on the minus strand). VCF-style: chr7-5973497-T-A. GRCh37 (hg19) VCF-style: chr7-6013128-T-A.
Other names: c.2086A>T, p.Ile696Phe (NM_001018040.1, NM_001322003.2, NM_001322004.2 and 12 more transcripts); c.2335A>T, p.Ile779Phe (NM_001322006.2); c.2173A>T, p.Ile725Phe (NM_001322007.2, NM_001322008.2, NM_001406883.1); c.2119A>T, p.Ile707Phe (NM_001322009.2, NM_001406887.1, NM_001406888.1); c.1930A>T, p.Ile644Phe (NM_001322010.2, NM_001406906.1, NM_001406907.1); c.1558A>T, p.Ile520Phe (NM_001322011.2, NM_001322012.2); c.1918A>T, p.Ile640Phe (NM_001322013.2, NM_001406908.1, NM_001406909.1); c.2524A>T, p.Ile842Phe (NM_001322014.2); and 20 more; short protein forms I640F, I644F, I719F, I736F, I739F, I775F, I779F, I842F.
Identifiers: ClinVar variation 1792076 (VCV001792076.5), dbSNP rs876661221, ClinGen allele CA366734945.
Genomic context (GRCh38, chr7:5,973,497, plus strand): 5'-TCATGGTTGGCCTTCCATGGGGACAGTTCCAGGGGTGGTCCATCTCCCCCATGTGGGTGA[T>A]CAGTTTCTTCATCTCGCTTGTGTTAAGAGCAGTCCCAATCATCACCTGAGTGTGAGACAC-3'
Protein context (NP_000526.2, residues 821-841): ALNTSEMKKL[Ile831Phe]THMGEMDHPW